The following is an entry in ClinVar:

NM_007194.4(CHEK2):c.-7+10A>G

Genes: CHEK2 (checkpoint kinase 2; minus strand), LOC130067165 (ATAC-STARR-seq lymphoblastoid active region 18804; plus strand). Cytogenetic location: 22q12.1.
Variant type: single nucleotide variant.
Coding change: c.-7+10A>G on transcript NM_007194.4 (MANE Select); 10 bases into the intron after 7 bases upstream of the start codon, A replaced by G.
Molecular consequence: intron variant.
Genome position (GRCh38, 1-based): chr22:28,741,759, T>C on the plus strand (A>G on the coding strand, the complement: CHEK2 is on the minus strand). VCF-style: chr22-28741759-T-C. GRCh37 (hg19) VCF-style: chr22-29137747-T-C.
Other names: c.-345+10A>G (NM_001437942.1); c.-7+10A>G (NM_001349956.3, NM_145862.3, NM_001438295.1 and 3 more transcripts); c.-784+10A>G (NM_001257387.3).
Identifiers: ClinVar variation 380112 (VCV000380112.1), dbSNP rs1057520794, ClinGen allele CA16608620.

ClinVar aggregate classification (germline): Likely benign (1 of 4 stars; one submission).

Allele frequency attached by ClinVar (database versions not stated): gnomAD 0.00001; TOPMed 0.00001.
gnomAD v4.1: 3 of 414,172 alleles (0.00072%); highest among the groups gnomAD compares: African/African-American, 0.004%; no homozygotes.

Submission:

GeneDx
Classification: Likely benign. Last evaluated: 2016-10-18. Review status: criteria provided, single submitter. Criteria: GeneDx Variant Classification (06012015). Collection method: clinical testing. Allele origin: germline. Affected: yes.
Comment: This variant is considered likely benign or benign based on one or more of the following criteria: it is a conservative change, it occurs at a poorly conserved position in the protein, it is predicted to be benign by multiple in silico algorithms, and/or has population frequency not consistent with disease.